The following is an entry in ClinVar:

NM_001267550.2(TTN):c.17437T>A (p.Cys5813Ser)

Genes: TTN (titin; minus strand), LOC126806431 (CDK7 strongly-dependent group 2 enhancer GRCh37_chr2:179595719-179596918; plus strand). Cytogenetic location: 2q31.2.
Variant type: single nucleotide variant.
Coding change: c.17437T>A on transcript NM_001267550.2 (MANE Select); coding-DNA position 17437, T replaced by A.
Protein change: p.Cys5813Ser; replaces cysteine 5813 with serine.
Molecular consequence: missense variant. On other transcripts: intron variant (3).
Genome position (GRCh38, 1-based): chr2:178,731,329, A>T on the plus strand (T>A on the coding strand, the complement: TTN is on the minus strand). VCF-style: chr2-178731329-A-T. GRCh37 (hg19) VCF-style: chr2-179596056-A-T.
Other names: c.16486T>A, p.Cys5496Ser (NM_001256850.1); c.13705T>A, p.Cys4569Ser (NM_133378.4); c.13282+6753T>A (NM_003319.4); c.13858+6753T>A (NM_133437.4); c.13657+6753T>A (NM_133432.3); short protein forms C4569S, C5496S, C5813S.
Identifiers: ClinVar variation 1284392 (VCV001284392.11), dbSNP rs368692616, ClinGen allele CA2001835.
Genomic context (GRCh38, chr2:178,731,329, plus strand): 5'-TCTTCCTCAAACCCAAGGCAAACGTTCTGAACCAACCTTTTACTGAGAGTAATGCAGAAC[A>T]TCTTTGTATTCCTGCATCATTTTTGGCCTGACAGACATATTTCCCATCATGCTTGACTTC-3'
Protein context (NP_001254479.2, residues 5803-5823): QAKNDAGIQR[Cys5813Ser]SALLSVKEPA

ClinVar aggregate classification (germline): Uncertain significance. Review status: criteria provided, multiple submitters, no conflicts (2 of 4 stars). 6 submissions from 6 submitters: Uncertain significance (4). 2 of the submissions do not count toward it. Last evaluated 2025-07-22.

Conditions:
TTN-related disorder. Also called: TTN-related condition; TTN-related disease; TTN-related disorders.
Dilated cardiomyopathy 1G (CMD1G). Identifiers: Orphanet 154, MedGen C1858763, MONDO:0011400, OMIM 604145.
Tibial muscular dystrophy (TMD). Also called: Tibial muscular dystrophy, tardive; Udd Distal Myopathy – Tibial Muscular Dystrophy; UDD MYOPATHY. Identifiers: Orphanet 609, MedGen C1838244, MONDO:0010870, OMIM 600334.
Myopathy, myofibrillar, 9, with early respiratory failure (MFM9). Also called: Hereditary myopathy with early respiratory failure; Myopathy, distal, with early respiratory failure, autosomal dominant; EDSTROM MYOPATHY; MYOPATHY, PROXIMAL, WITH EARLY RESPIRATORY MUSCLE INVOLVEMENT. Identifiers: Orphanet 178464, Orphanet 34521, MedGen C1863599, MONDO:0011362, OMIM 603689.
Hypertrophic cardiomyopathy 9. Also called: Familial hypertrophic cardiomyopathy 9. Identifiers: MedGen C1861065, MONDO:0013412, OMIM 613765.
Early-onset myopathy with fatal cardiomyopathy (CMYO5). Also called: Salih Myopathy; CONGENITAL MYOPATHY 5 WITH CARDIOMYOPATHY. Identifiers: Orphanet 289377, MedGen C2673677, MONDO:0012714, OMIM 611705. Disease mechanism: loss of function.
Autosomal recessive limb-girdle muscular dystrophy type 2J (LGMDR10). Also called: Limb-girdle muscular dystrophy, type 2J; MUSCULAR DYSTROPHY, LIMB-GIRDLE, AUTOSOMAL RECESSIVE 10. Identifiers: Orphanet 140922, MedGen C1837342, MONDO:0012127, OMIM 608807.

Allele frequency attached by ClinVar (database versions not stated): gnomAD exomes 0.00003; ExAC 0.00004; gnomAD 0.00009; TOPMed 0.00013; 1000 Genomes Project 30x 0.00016; ESP Exome Variant Server 0.00016; 1000 Genomes Project 0.00020.
gnomAD v4.1: 28 of 1,613,804 alleles (0.0017%); highest among the groups gnomAD compares: African/African-American, 0.035%; no homozygotes.

Submissions (6):

PreventionGenetics, part of Exact Sciences
Classification: Uncertain significance for TTN-related condition. Last evaluated: 2025-07-22. Review status: criteria provided, single submitter. Criteria: ACMG Guidelines, 2015. Collection method: clinical testing. Allele origin: germline.
Comment: The TTN c.17437T>A variant is predicted to result in the amino acid substitution p.Cys5813Ser. To our knowledge, this variant has not been reported in the literature. This variant is reported in 0.029% of alleles in individuals of African descent in gnomAD. At this time, the clinical significance of this variant is uncertain due to the absence of conclusive functional and genetic evidence.

Women's Health and Genetics/Laboratory Corporation of America, LabCorp
Classification: Uncertain significance. Last evaluated: 2023-08-19. Review status: criteria provided, single submitter. Criteria: LabCorp Variant Classification Summary - May 2015. Collection method: clinical testing. Allele origin: germline.

Fulgent Genetics
Classification: Uncertain significance for Tibial muscular dystrophy; Myopathy, myofibrillar, 9, with early respiratory failure; Dilated cardiomyopathy 1G; Autosomal recessive limb-girdle muscular dystrophy type 2J; Early-onset myopathy with fatal cardiomyopathy; Hypertrophic cardiomyopathy 9. Last evaluated: 2021-11-12. Review status: criteria provided, single submitter. Criteria: ACMG Guidelines, 2015. Collection method: clinical testing. Allele origin: unknown.

Revvity Omics, Revvity
Classification: Uncertain significance. Last evaluated: 2019-07-29. Review status: criteria provided, single submitter. Criteria: ACMG Guidelines, 2015. Collection method: clinical testing. Allele origin: germline.

Clinical Genetics DNA and cytogenetics Diagnostics Lab, Erasmus MC, Erasmus Medical Center
Classification: Uncertain significance. Review status: no assertion criteria provided. Collection method: clinical testing. Allele origin: germline. Affected: yes. Study: VKGL Data-share Consensus. Not counted in ClinVar's aggregate classification.

Clinical Genetics, Academic Medical Center
Classification: Uncertain significance. Review status: no assertion criteria provided. Collection method: clinical testing. Allele origin: germline. Affected: yes. Study: VKGL Data-share Consensus. Not counted in ClinVar's aggregate classification.